The following is an entry in ClinVar:

NM_016151.4(TAOK2):c.1931G>A (p.Arg644His)

Gene: TAOK2 (TAO kinase 2; plus strand). Cytogenetic location: 16p11.2.
Variant type: single nucleotide variant.
Coding change: c.1931G>A on transcript NM_016151.4 (MANE Select); coding-DNA position 1931, G replaced by A.
Protein change: p.Arg644His; replaces arginine 644 with histidine.
Molecular consequence: missense variant.
Genome position (GRCh38, 1-based): chr16:29,985,800, G>A. VCF-style: chr16-29985800-G-A. GRCh37 (hg19) VCF-style: chr16-29997121-G-A.
Other names: c.1931G>A, p.Arg644His (NM_001252043.2, NM_004783.4); short protein forms R644H.
Identifiers: ClinVar variation 3615579 (VCV003615579.2).

ClinVar aggregate classification (germline): Uncertain significance (1 of 4 stars; one submission).

Submission:

Labcorp Genetics (formerly Invitae), Labcorp
Classification: Uncertain significance. Last evaluated: 2024-08-11. Review status: criteria provided, single submitter. Criteria: Invitae Variant Classification Sherloc (09022015). Collection method: clinical testing. Allele origin: germline.
Comment: This sequence change replaces arginine, which is basic and polar, with histidine, which is basic and polar, at codon 644 of the TAOK2 protein (p.Arg644His). This variant is present in population databases (rs762055796, gnomAD 0.006%). This variant has not been reported in the literature in individuals affected with TAOK2-related conditions. An algorithm developed to predict the effect of missense changes on protein structure and function (PolyPhen-2) suggests that this variant is likely to be disruptive. In summary, the available evidence is currently insufficient to determine the role of this variant in disease. Therefore, it has been classified as a Variant of Uncertain Significance.